The following is an entry in ClinVar:

NM_000121.4(EPOR):c.595C>T (p.Leu199=)

Gene: EPOR (erythropoietin receptor; minus strand). Cytogenetic location: 19p13.2.
Variant type: single nucleotide variant.
Coding change: c.595C>T on transcript NM_000121.4 (MANE Select); coding-DNA position 595, C replaced by T.
Protein change: p.Leu199=; no amino-acid change (leucine 199 retained).
Molecular consequence: synonymous variant. On other transcripts: non-coding transcript variant (1).
Genome position (GRCh38, 1-based): chr19:11,381,200, G>A on the plus strand (C>T on the coding strand, the complement: EPOR is on the minus strand). VCF-style: chr19-11381200-G-A. GRCh37 (hg19) VCF-style: chr19-11491876-G-A.
Other names: c.595C>T (NM_000121.3).
Identifiers: ClinVar variation 3766975 (VCV003766975.5).
Genomic context (GRCh38, chr19:11,381,200, plus strand): 5'-CGAAGGTGTAGCGCGTCCGGCCCCGCAGGTTGCTCAGCACACACTCGGTGCGGCCCTCCA[G>A]GATCTCCACCTGGGGGCGGAATCAGGGCGAGGGACGCGTAGCAGACAAAAATAGATGACG-3'
Protein context (NP_000112.1, residues 189-209): GAGSVQRVEI[Leu199=]EGRTECVLSN

ClinVar aggregate classification (germline): Benign/Likely benign. Review status: criteria provided, multiple submitters, no conflicts (2 of 4 stars). 4 submissions from 4 submitters: Benign (1); Likely benign (3). Last evaluated 2025-11-30.

Conditions:
Primary familial polycythemia due to EPO receptor mutation. Also called: Primary Familial Congenital Polycythemia; ERYTHROCYTOSIS, SOMATIC; Erythrocytosis, familial, 1; POLYCYTHEMIA, PRIMARY FAMILIAL AND CONGENITAL. Identifiers: Orphanet 90042, MedGen C4551637, MONDO:0007572, OMIM 133100.
EPOR-related disorder. Also called: EPOR-related condition.

gnomAD v4.1: 90 of 1,549,352 alleles (0.0058%); highest among the groups gnomAD compares: East Asian, 0.049%; no homozygotes.

Submissions (4):

PreventionGenetics, part of Exact Sciences
Classification: Likely benign for EPOR-related condition. Last evaluated: 2025-11-30. Review status: criteria provided, single submitter. Criteria: ACMG Guidelines, 2015. Collection method: clinical testing. Allele origin: germline.
Comment: This variant is classified as likely benign based on ACMG/AMP sequence variant interpretation guidelines (Richards et al. 2015 PMID: 25741868, with internal and published modifications).

Labcorp Genetics (formerly Invitae), Labcorp
Classification: Benign. Last evaluated: 2025-08-04. Review status: criteria provided, single submitter. Criteria: Invitae Variant Classification Sherloc (09022015). Collection method: clinical testing. Allele origin: germline.

ARUP Laboratories, Molecular Genetics and Genomics, ARUP Laboratories
Classification: Likely benign for Primary familial polycythemia due to EPO receptor mutation. Last evaluated: 2025-07-24. Review status: criteria provided, single submitter. Criteria: ARUP Molecular Germline Variant Investigation Process 2024. Collection method: clinical testing. Allele origin: germline.

Blueprint Genetics
Classification: Likely benign. Last evaluated: 2024-11-25. Review status: criteria provided, single submitter. Criteria: ACMG Guidelines, 2015. Collection method: clinical testing. Allele origin: germline.